The following is an entry in ClinVar:

NM_014679.5(CEP57):c.1330C>G (p.Leu444Val)

Gene: CEP57 (centrosomal protein 57; plus strand). Cytogenetic location: 11q21.
Variant type: single nucleotide variant.
Coding change: c.1330C>G on transcript NM_014679.5 (MANE Select); coding-DNA position 1330, C replaced by G.
Protein change: p.Leu444Val; replaces leucine 444 with valine.
Molecular consequence: missense variant.
Genome position (GRCh38, 1-based): chr11:95,831,083, C>G. VCF-style: chr11-95831083-C-G. GRCh37 (hg19) VCF-style: chr11-95564247-C-G.
Other names: c.1303C>G, p.Leu435Val (NM_001243776.2); c.1252C>G, p.Leu418Val (NM_001243777.2); c.1249C>G, p.Leu417Val (NM_001363604.2); short protein forms L435V, L444V, L417V, L418V.
Identifiers: ClinVar variation 3831956 (VCV003831956.1).

ClinVar aggregate classification (germline): Uncertain significance (1 of 4 stars; one submission).

Conditions:
Inborn genetic diseases. Identifiers: MedGen C0950123, MeSH D030342.

Submission:

Ambry Genetics
Classification: Uncertain significance for Inborn genetic diseases. Last evaluated: 2025-01-05. Review status: criteria provided, single submitter. Criteria: Ambry Variant Classification Scheme 2023. Collection method: clinical testing. Allele origin: germline.
Comment: The p.L444V variant (also known as c.1330C>G), located in coding exon 11 of the CEP57 gene, results from a C to G substitution at nucleotide position 1330. The leucine at codon 444 is replaced by valine, an amino acid with highly similar properties. This amino acid position is conserved. In addition, this alteration is predicted to be tolerated by in silico analysis. Based on the available evidence, the clinical significance of this variant remains unclear.